The following is an entry in ClinVar:

NM_001005373.4(LRSAM1):c.1879C>G (p.Gln627Glu)

Gene: LRSAM1 (leucine rich repeat and sterile alpha motif containing 1; plus strand). Cytogenetic location: 9q33.3.
Variant type: single nucleotide variant.
Coding change: c.1879C>G on transcript NM_001005373.4 (MANE Select); coding-DNA position 1879, C replaced by G.
Protein change: p.Gln627Glu; replaces glutamine 627 with glutamic acid.
Molecular consequence: missense variant. On other transcripts: non-coding transcript variant (2).
Genome position (GRCh38, 1-based): chr9:127,497,301, C>G. VCF-style: chr9-127497301-C-G. GRCh37 (hg19) VCF-style: chr9-130259580-C-G.
Other names: c.1879C>G, p.Gln627Glu (NM_001005374.4, NM_001384142.1, NM_138361.5); c.1798C>G, p.Gln600Glu (NM_001190723.3); c.1780C>G, p.Gln594Glu (NM_001384143.1); c.1090C>G, p.Gln364Glu (NM_001384144.1); short protein forms Q364E, Q594E, Q600E, Q627E.
Identifiers: ClinVar variation 3233555 (VCV003233555.2), dbSNP rs1836187613, ClinGen allele CA374936556.
Genomic context (GRCh38, chr9:127,497,301, plus strand): 5'-GAACTGTCACAGGTGGGCGTCTCAGAAGCTGGCCTGCAGCACGAGATCCTCCGGAGAGTC[C>G]AGGAACTGCTGGATGCAGCCAGGATCCAGCCAGGTACAAGCACAGCTCCAGCCTCTTCCA-3'
Protein context (NP_001005373.1, residues 617-637): GLQHEILRRV[Gln627Glu]ELLDAARIQP

ClinVar aggregate classification (germline): Uncertain significance (1 of 4 stars; one submission).

Allele frequency attached by ClinVar (database versions not stated): gnomAD exomes below 0.00001.
gnomAD v4.1: 4 of 1,612,992 alleles (0.00025%); highest among the groups gnomAD compares: Non-Finnish European, 0.00025%; no homozygotes.

Submission:

Women's Health and Genetics/Laboratory Corporation of America, LabCorp
Classification: Uncertain significance. Last evaluated: 2024-03-08. Review status: criteria provided, single submitter. Criteria: LabCorp Variant Classification Summary - May 2015. Collection method: clinical testing. Allele origin: germline.
Comment: Variant summary: LRSAM1 c.1879C>G (p.Gln627Glu) results in a conservative amino acid change located in the Sterile alpha motif domain (IPR001660) of the encoded protein sequence. Four of five in-silico tools predict a benign effect of the variant on protein function. The variant was absent in 250554 control chromosomes. The available data on variant occurrences in the general population are insufficient to allow any conclusion about variant significance. To our knowledge, no occurrence of c.1879C>G in individuals affected with Charcot-Marie Disease Type 2P and no experimental evidence demonstrating its impact on protein function have been reported. No submitters have cited clinical-significance assessments for this variant to ClinVar. Based on the evidence outlined above, the variant was classified as uncertain significance.